The following is an entry in ClinVar:

NM_000053.4(ATP7B):c.574A>G (p.Ile192Val)

Gene: ATP7B (ATPase copper transporting beta; minus strand). Cytogenetic location: 13q14.3.
Variant type: single nucleotide variant.
Coding change: c.574A>G on transcript NM_000053.4 (MANE Select); coding-DNA position 574, A replaced by G.
Protein change: p.Ile192Val; replaces isoleucine 192 with valine.
Molecular consequence: missense variant.
Genome position (GRCh38, 1-based): chr13:51,974,646, T>C on the plus strand (A>G on the coding strand, the complement: ATP7B is on the minus strand). VCF-style: chr13-51974646-T-C. GRCh37 (hg19) VCF-style: chr13-52548782-T-C.
Other names: c.574A>G, p.Ile192Val (NM_001406520.1, NM_001406521.1, NM_001406522.1 and 30 more transcripts); c.478A>G, p.Ile160Val (NM_001406530.1, NM_001406517.1, NM_001406518.1 and 4 more transcripts); short protein forms I160V, I192V.
Identifiers: ClinVar variation 3704340 (VCV003704340.2).

ClinVar aggregate classification (germline): Uncertain significance (1 of 4 stars; one submission).

Conditions:
Wilson disease (WND). Also called: Wilson's disease. Identifiers: Orphanet 905, MedGen C0019202, MONDO:0010200, OMIM 277900. Disease mechanism: loss of function.

gnomAD v4.1: 1 of 1,611,988 alleles (0.000062%); highest among the groups gnomAD compares: Non-Finnish European, 0.000085%; no homozygotes.

Submission:

Labcorp Genetics (formerly Invitae), Labcorp
Classification: Uncertain significance for Wilson disease. Last evaluated: 2024-07-23. Review status: criteria provided, single submitter. Criteria: Invitae Variant Classification Sherloc (09022015). Collection method: clinical testing. Allele origin: germline.
Comment: This sequence change replaces isoleucine, which is neutral and non-polar, with valine, which is neutral and non-polar, at codon 192 of the ATP7B protein (p.Ile192Val). This variant is not present in population databases (gnomAD no frequency). This variant has not been reported in the literature in individuals affected with ATP7B-related conditions. Advanced modeling of protein sequence and biophysical properties (such as structural, functional, and spatial information, amino acid conservation, physicochemical variation, residue mobility, and thermodynamic stability) performed at Invitae indicates that this missense variant is not expected to disrupt ATP7B protein function with a negative predictive value of 95%. In summary, the available evidence is currently insufficient to determine the role of this variant in disease. Therefore, it has been classified as a Variant of Uncertain Significance.